The following is an entry in ClinVar:

ClinVar aggregate classification (germline): Benign. Review status: criteria provided, multiple submitters, no conflicts (2 of 4 stars). 2 submissions from 2 submitters: Benign (2). Last evaluated 2018-06-18.

Allele frequency attached by ClinVar (database versions not stated): gnomAD exomes 0.00474; gnomAD 0.03958 and 0.04262; 1000 Genomes Project 0.03974; 1000 Genomes Project 30x 0.04169; TOPMed 0.04346.
gnomAD v4.1: 10,274 of 1,011,858 alleles (1%); highest among the groups gnomAD compares: African/African-American, 14%; 621 homozygotes.

Submissions (2):

GeneDx
Classification: Benign. Last evaluated: 2018-06-18. Review status: criteria provided, single submitter. Criteria: GeneDx Variant Classification (06012015). Collection method: clinical testing. Allele origin: germline. Affected: yes.
Comment: This variant is considered likely benign or benign based on one or more of the following criteria: it is a conservative change, it occurs at a poorly conserved position in the protein, it is predicted to be benign by multiple in silico algorithms, and/or has population frequency not consistent with disease.

Breakthrough Genomics
Classification: Benign. Review status: criteria provided, single submitter. Criteria: ACMG Guidelines, 2015. Collection method: not provided. Allele origin: germline. Inheritance: Autosomal dominant inheritance. Affected: yes.

NM_022114.4(PRDM16):c.2939+91G>T

Gene: PRDM16 (PR/SET domain 16; plus strand). Cytogenetic location: 1p36.32.
Variant type: single nucleotide variant.
Coding change: c.2939+91G>T on transcript NM_022114.4 (MANE Select); 91 bases into the intron after coding-DNA position 2939, G replaced by T.
Molecular consequence: intron variant.
Genome position (GRCh38, 1-based): chr1:3,418,835, G>T. VCF-style: chr1-3418835-G-T. GRCh37 (hg19) VCF-style: chr1-3335399-G-T.
Other names: c.2939+91G>T (NM_199454.3).
Identifiers: ClinVar variation 676358 (VCV000676358.2), dbSNP rs114150379, ClinGen allele CA10936578.